The following is an entry in ClinVar:

NC_000009.11:g.(?_104187883)_(104189197_?)del

Gene: ALDOB (aldolase, fructose-bisphosphate B; minus strand). Cytogenetic location: 9q31.1.
Variant type: Deletion.
Identifiers: ClinVar variation 3245068 (VCV003245068.1).

ClinVar aggregate classification (germline): Likely pathogenic (1 of 4 stars; one submission).

Conditions:
Hereditary fructosuria. Also called: ALDOB DEFICIENCY; ALDOLASE B DEFICIENCY; FRUCTOSE-1,6-BISPHOSPHATE ALDOLASE B DEFICIENCY; FRUCTOSE-1-PHOSPHATE ALDOLASE DEFICIENCY; FRUCTOSEMIA; Hereditary fructose intolerance. Identifiers: Orphanet 469, MedGen C0016751, MONDO:0009249, OMIM 229600, HP:0005973. Disease mechanism: loss of function.

Submission:

Labcorp Genetics (formerly Invitae), Labcorp
Classification: Likely pathogenic for Hereditary fructosuria. Last evaluated: 2023-08-30. Review status: criteria provided, single submitter. Criteria: Invitae Variant Classification Sherloc (09022015). Collection method: clinical testing. Allele origin: unknown.
Comment: This variant disrupts a region of the ALDOB protein in which other variant(s) (p.Leu183_Val184del) have been observed in individuals with ALDOB-related conditions (PMID: 10352930). This suggests that this is a clinically significant region of the protein, and that variants that disrupt it are likely to be disease-causing. In summary, the currently available evidence indicates that the variant is pathogenic, but additional data are needed to prove that conclusively. Therefore, this variant has been classified as Likely Pathogenic. ClinVar contains an entry for this variant (Variation ID: 938458). This variant results in the deletion of exon 6 and part of exon 7 (c.541-277_651delinsATGGGTT) of the ALDOB gene. It is expected to disrupt RNA splicing. Variants that disrupt the donor or acceptor splice site typically lead to a loss of protein function (PMID: 16199547), and loss-of-function variants in ALDOB are known to be pathogenic (PMID: 18541450). This variant has not been reported in the literature in individuals affected with ALDOB-related conditions.

Literature cited by the submitters: PubMed 10352930; PubMed 16199547; PubMed 18541450.